The following is an entry in ClinVar:

NM_000053.4(ATP7B):c.3815C>A (p.Ser1272Tyr)

Gene: ATP7B (ATPase copper transporting beta; minus strand). Cytogenetic location: 13q14.3.
Variant type: single nucleotide variant.
Coding change: c.3815C>A on transcript NM_000053.4 (MANE Select); coding-DNA position 3815, C replaced by A.
Protein change: p.Ser1272Tyr; replaces serine 1272 with tyrosine.
Molecular consequence: missense variant. On other transcripts: intron variant (1).
Genome position (GRCh38, 1-based): chr13:51,937,564, G>T on the plus strand (C>A on the coding strand, the complement: ATP7B is on the minus strand). VCF-style: chr13-51937564-G-T. GRCh37 (hg19) VCF-style: chr13-52511700-G-T.
Other names: c.3194C>A, p.Ser1065Tyr (NM_001005918.3); c.3482C>A, p.Ser1161Tyr (NM_001243182.2); c.3581C>A, p.Ser1194Tyr (NM_001330578.2, NM_001406527.1, NM_001406528.1); c.3563C>A, p.Ser1188Tyr (NM_001330579.2, NM_001406531.1, NM_001406532.1); c.3815C>A, p.Ser1272Tyr (NM_001406511.1, NM_001406512.1); c.3809C>A, p.Ser1270Tyr (NM_001406513.1); c.3782C>A, p.Ser1261Tyr (NM_001406514.1); c.3761C>A, p.Ser1254Tyr (NM_001406515.1, NM_001406516.1); and 21 more; short protein forms S1056Y, S1065Y, S1110Y, S1129Y, S1146Y, S1162Y, S1240Y, S991Y.
Identifiers: ClinVar variation 2780266 (VCV002780266.3), dbSNP rs1957045038, ClinGen allele CA388021924.

ClinVar aggregate classification (germline): Likely pathogenic (1 of 4 stars; one submission).

Conditions:
Wilson disease (WND). Also called: Wilson's disease. Identifiers: Orphanet 905, MedGen C0019202, MONDO:0010200, OMIM 277900. Disease mechanism: loss of function.

Submission:

Labcorp Genetics (formerly Invitae), Labcorp
Classification: Likely pathogenic for Wilson disease. Last evaluated: 2023-04-28. Review status: criteria provided, single submitter. Criteria: Invitae Variant Classification Sherloc (09022015). Collection method: clinical testing. Allele origin: germline.
Comment: This sequence change replaces serine, which is neutral and polar, with tyrosine, which is neutral and polar, at codon 1272 of the ATP7B protein (p.Ser1272Tyr). This variant is not present in population databases (gnomAD no frequency). This missense change has been observed in individual(s) with Wilson disease (PMID: 33573009). Advanced modeling of protein sequence and biophysical properties (such as structural, functional, and spatial information, amino acid conservation, physicochemical variation, residue mobility, and thermodynamic stability) performed at Invitae indicates that this missense variant is expected to disrupt ATP7B protein function. In summary, the currently available evidence indicates that the variant is pathogenic, but additional data are needed to prove that conclusively. Therefore, this variant has been classified as Likely Pathogenic.

Literature cited by the submitters: PubMed 33573009.